The following is an entry in ClinVar:

NM_000479.5(AMH):c.1352G>A (p.Arg451His)

Gene: AMH (anti-Mullerian hormone; plus strand). Cytogenetic location: 19p13.3.
Variant type: single nucleotide variant.
Coding change: c.1352G>A on transcript NM_000479.5 (MANE Select); coding-DNA position 1352, G replaced by A.
Protein change: p.Arg451His; replaces arginine 451 with histidine.
Molecular consequence: missense variant.
Genome position (GRCh38, 1-based): chr19:2,251,626, G>A. VCF-style: chr19-2251626-G-A. GRCh37 (hg19) VCF-style: chr19-2251625-G-A.
Other names: short protein forms R451H.
Identifiers: ClinVar variation 4538211 (VCV004538211.1).

ClinVar aggregate classification (germline): Uncertain significance (1 of 4 stars; one submission).

Submission:

Greenwood Genetic Center Diagnostic Laboratories, Greenwood Genetic Center
Classification: Uncertain significance. Last evaluated: 2025-04-07. Review status: criteria provided, single submitter. Criteria: ACMG Guidelines, 2015. Collection method: clinical testing. Allele origin: germline. Affected: yes.
Comment: PM2, PP3